The following is an entry in ClinVar:

NM_000719.7(CACNA1C):c.5164T>G (p.Phe1722Val)

Genes: CACNA1C-AS1 (CACNA1C antisense RNA 1; minus strand), CACNA1C (calcium voltage-gated channel subunit alpha1 C; plus strand). Cytogenetic location: 12p13.33.
Variant type: single nucleotide variant.
Coding change: c.5164T>G on transcript NM_000719.7 (MANE Select); coding-DNA position 5164, T replaced by G.
Protein change: p.Phe1722Val; replaces phenylalanine 1722 with valine.
Molecular consequence: missense variant.
Genome position (GRCh38, 1-based): chr12:2,679,516, T>G. VCF-style: chr12-2679516-T-G. GRCh37 (hg19) VCF-style: chr12-2788682-T-G.
Other names: c.5215T>G, p.Phe1739Val (NM_001129836.2); c.5188T>G, p.Phe1730Val (NM_001129837.2, NM_001129838.2); c.5182T>G, p.Phe1728Val (NM_001129839.2); c.5164T>G, p.Phe1722Val (NM_001129840.2, NM_001129841.2, NM_001129842.2 and 4 more transcripts); c.5155T>G, p.Phe1719Val (NM_001129844.2); c.5131T>G, p.Phe1711Val (NM_001129846.2, NM_001167625.2); c.5308T>G, p.Phe1770Val (NM_199460.4, NM_001129827.2); c.5287T>G, p.Phe1763Val (NM_001129829.2); and 3 more; short protein forms F1722V, F1770V, F1711V, F1730V, F1741V, F1728V, F1739V, F1763V.
Identifiers: ClinVar variation 526947 (VCV000526947.13), dbSNP rs751493277, ClinGen allele CA6389723.

ClinVar aggregate classification (germline): Conflicting classifications of pathogenicity. Review status: criteria provided, conflicting classifications (1 of 4 stars). 4 submissions from 4 submitters: Uncertain significance (2); Likely benign (2). Last evaluated 2025-10-29.

Conditions:
Cardiovascular phenotype. Identifiers: MedGen CN230736.
Long QT syndrome (LQTS). Identifiers: MedGen C0023976, MeSH D008133, MONDO:0002442. Disease mechanism: loss of function. Inheritance: Various modes of inheritance.

Allele frequency attached by ClinVar (database versions not stated): gnomAD exomes below 0.00001 and 0.00003; ExAC 0.00001; gnomAD 0.00001; TOPMed 0.00001.
gnomAD v4.1: 8 of 1,611,764 alleles (0.0005%); highest among the groups gnomAD compares: East Asian, 0.016%; no homozygotes.

Submissions (4):

Labcorp Genetics (formerly Invitae), Labcorp
Classification: Likely benign for Long QT syndrome. Last evaluated: 2025-10-29. Review status: criteria provided, single submitter. Criteria: Invitae Variant Classification Sherloc (09022015). Collection method: clinical testing. Allele origin: germline.

Blueprint Genetics
Classification: Likely benign. Last evaluated: 2023-05-19. Review status: criteria provided, single submitter. Criteria: ACMG Guidelines, 2015. Collection method: clinical testing. Allele origin: germline.

Ambry Genetics
Classification: Uncertain significance for Cardiovascular phenotype. Last evaluated: 2022-06-17. Review status: criteria provided, single submitter. Criteria: Ambry Variant Classification Scheme 2023. Collection method: clinical testing. Allele origin: germline.
Comment: The c.5164T>G (p.F1722V) alteration is located in exon 42 (coding exon 42) of the CACNA1C gene. This alteration results from a T to G substitution at nucleotide position 5164, causing the phenylalanine (F) at amino acid position 1722 to be replaced by a valine (V). The p.F1722V alteration is predicted to be deleterious by in silico analysis. Based on insufficient or conflicting evidence, the clinical significance of this alteration remains unclear.

GeneDx
Classification: Uncertain significance. Last evaluated: 2019-12-09. Review status: criteria provided, single submitter. Criteria: GeneDx Variant Classification Process June 2021. Collection method: clinical testing. Allele origin: germline. Affected: yes.
Comment: Has not been previously published as pathogenic or benign to our knowledge; Reported in ClinVar as a variant of uncertain significance (ClinVar Variant ID# 526947; Landrum et al., 2016); In silico analysis, which includes protein predictors and evolutionary conservation, supports that this variant does not alter protein structure/function